The following is an entry in ClinVar:

NM_052844.4(DYNC2I2):c.829G>A (p.Glu277Lys)

Genes: DYNC2I2 (dynein 2 intermediate chain 2; minus strand), LOC126860772 (CDK7 strongly-dependent group 2 enhancer GRCh37_chr9:131396972-131398171; plus strand). Cytogenetic location: 9q34.11.
Variant type: single nucleotide variant.
Coding change: c.829G>A on transcript NM_052844.4 (MANE Select); coding-DNA position 829, G replaced by A.
Protein change: p.Glu277Lys; replaces glutamic acid 277 with lysine.
Molecular consequence: missense variant.
Genome position (GRCh38, 1-based): chr9:128,635,244, C>T on the plus strand (G>A on the coding strand, the complement: DYNC2I2 is on the minus strand). VCF-style: chr9-128635244-C-T. GRCh37 (hg19) VCF-style: chr9-131397523-C-T.
Other names: c.829G>A (NM_052844.3); short protein forms E277K.
Identifiers: ClinVar variation 2086038 (VCV002086038.4), dbSNP rs373096963, ClinGen allele CA5266442.
Genomic context (GRCh38, chr9:128,635,244, plus strand): 5'-GTAGCACCTTCCCGTCGGTGGCCACACTCAGCACCTGGAAGCGGTGGCTGTGCCCAGGCT[C>T]GGGCAGCCACACCACCTGAGTTAACAGCATGCAGGGCCAGGATGGAGACAAGGGACACCT-3'
Protein context (NP_443076.2, residues 267-287): DPVSQVVWLP[Glu277Lys]PGHSHRFQVL

ClinVar aggregate classification (germline): Uncertain significance. Review status: criteria provided, multiple submitters, no conflicts (2 of 4 stars). 2 submissions from 2 submitters: Uncertain significance (2). Last evaluated 2025-06-23.

Conditions:
Inborn genetic diseases. Identifiers: MedGen C0950123, MeSH D030342.
Short-rib thoracic dysplasia 11 with or without polydactyly (SRTD11). Also called: SHORT-RIB THORACIC DYSPLASIA 11 WITHOUT POLYDACTYLY. Identifiers: Orphanet 474, Orphanet 93271, MedGen C3810200, MONDO:0014287, OMIM 615633.

Allele frequency attached by ClinVar (database versions not stated): gnomAD exomes 0.00001; ESP Exome Variant Server 0.00008.
gnomAD v4.1: 24 of 1,612,110 alleles (0.0015%); highest among the groups gnomAD compares: Middle Eastern, 0.049%; no homozygotes.

Submissions (2):

Ambry Genetics
Classification: Uncertain significance for Inborn genetic diseases. Last evaluated: 2025-06-23. Review status: criteria provided, single submitter. Criteria: Ambry Variant Classification Scheme 2023. Collection method: clinical testing. Allele origin: germline.

Labcorp Genetics (formerly Invitae), Labcorp
Classification: Uncertain significance for Short-rib thoracic dysplasia 11 with or without polydactyly. Last evaluated: 2022-08-25. Review status: criteria provided, single submitter. Criteria: Invitae Variant Classification Sherloc (09022015). Collection method: clinical testing. Allele origin: germline.
Comment: In summary, the available evidence is currently insufficient to determine the role of this variant in disease. Therefore, it has been classified as a Variant of Uncertain Significance. Algorithms developed to predict the effect of missense changes on protein structure and function are either unavailable or do not agree on the potential impact of this missense change (SIFT: "Deleterious"; PolyPhen-2: "Benign"; Align-GVGD: "Class C0"). This sequence change replaces glutamic acid, which is acidic and polar, with lysine, which is basic and polar, at codon 277 of the WDR34 protein (p.Glu277Lys). This variant is present in population databases (rs373096963, gnomAD 0.01%). This variant has not been reported in the literature in individuals affected with WDR34-related conditions.